The following is an entry in ClinVar:

NM_138295.5(PKD1L1):c.2472C>A (p.Ala824=)

Gene: PKD1L1 (polycystin 1 like 1, transient receptor potential channel interacting; minus strand). Cytogenetic location: 7p12.3.
Variant type: single nucleotide variant.
Coding change: c.2472C>A on transcript NM_138295.5 (MANE Select); coding-DNA position 2472, C replaced by A.
Protein change: p.Ala824=; no amino-acid change (alanine 824 retained).
Molecular consequence: synonymous variant.
Genome position (GRCh38, 1-based): chr7:47,890,745, G>T on the plus strand (C>A on the coding strand, the complement: PKD1L1 is on the minus strand). VCF-style: chr7-47890745-G-T. GRCh37 (hg19) VCF-style: chr7-47930343-G-T.
Identifiers: ClinVar variation 3035436 (VCV003035436.2), dbSNP rs781344760, ClinGen allele CA4253722.

ClinVar aggregate classification (germline): Likely benign (0 of 4 stars; one submission).

Conditions:
PKD1L1-related disorder. Also called: PKD1L1-related condition.

Allele frequency attached by ClinVar (database versions not stated): TOPMed below 0.00001; gnomAD 0.00001; ExAC 0.00003.
gnomAD v4.1: 22 of 1,612,450 alleles (0.0014%); highest among the groups gnomAD compares: Non-Finnish European, 0.0019%; no homozygotes.

Submission:

PreventionGenetics, part of Exact Sciences
Classification: Likely benign for PKD1L1-related condition. Last evaluated: 2019-07-30. Review status: no assertion criteria provided. Collection method: clinical testing. Allele origin: germline.
Comment: This variant is classified as likely benign based on ACMG/AMP sequence variant interpretation guidelines (Richards et al. 2015 PMID: 25741868, with internal and published modifications).